The following is an entry in ClinVar:

ClinVar aggregate classification (germline): Uncertain significance (1 of 4 stars; one submission).

Conditions:
Hereditary cancer-predisposing syndrome. Also called: Neoplastic Syndromes, Hereditary; Tumor predisposition; Hereditary neoplastic syndrome; Hereditary Cancer Syndrome. Identifiers: Orphanet 140162, MedGen C0027672, MeSH D009386, MONDO:0015356.

Submission:

Ambry Genetics
Classification: Uncertain significance for Hereditary cancer-predisposing syndrome. Last evaluated: 2024-02-27. Review status: criteria provided, single submitter. Criteria: Ambry Variant Classification Scheme 2023. Collection method: clinical testing. Allele origin: germline.
Comment: The p.N824K variant (also known as c.2472T>G), located in coding exon 9 of the BRCA1 gene, results from a T to G substitution at nucleotide position 2472. The asparagine at codon 824 is replaced by lysine, an amino acid with similar properties. This amino acid position is conserved. In addition, the in silico prediction for this alteration is inconclusive. Based on the available evidence, the clinical significance of this alteration remains unclear.

NM_007294.4(BRCA1):c.2472T>G (p.Asn824Lys)

Gene: BRCA1 (BRCA1 DNA repair associated; minus strand). Cytogenetic location: 17q21.31.
Variant type: single nucleotide variant.
Coding change: c.2472T>G on transcript NM_007294.4 (MANE Select); coding-DNA position 2472, T replaced by G.
Protein change: p.Asn824Lys; replaces asparagine 824 with lysine.
Molecular consequence: missense variant. On other transcripts: intron variant (137).
Genome position (GRCh38, 1-based): chr17:43,093,059, A>C on the plus strand (T>G on the coding strand, the complement: BRCA1 is on the minus strand). VCF-style: chr17-43093059-A-C. GRCh37 (hg19) VCF-style: chr17-41245076-A-C.
Other names: c.2259T>G, p.Asn753Lys (NM_001407571.1, NM_001407853.1, NM_001407894.1 and 9 more transcripts); c.2472T>G, p.Asn824Lys (NM_001407581.1, NM_001407582.1, NM_001407583.1 and 30 more transcripts); c.2469T>G, p.Asn823Lys (NM_001407587.1, NM_001407590.1, NM_001407591.1 and 22 more transcripts); c.2463T>G, p.Asn821Lys (NM_001407646.1, NM_001407647.1); c.2349T>G, p.Asn783Lys (NM_001407648.1, NM_001407664.1, NM_001407665.1 and 19 more transcripts); c.2346T>G, p.Asn782Lys (NM_001407649.1, NM_001407670.1, NM_001407671.1 and 11 more transcripts); c.2394T>G, p.Asn798Lys (NM_001407653.1, NM_001407654.1, NM_001407655.1 and 4 more transcripts); c.2391T>G, p.Asn797Lys (NM_001407659.1, NM_001407660.1, NM_001407661.1 and 1 more transcripts); and 41 more; short protein forms N528K, N656K, N696K, N697K, N712K, N713K, N735K, N736K.
Identifiers: ClinVar variation 3226117 (VCV003226117.1), dbSNP rs786201415, ClinGen allele CA10597058.